The following is an entry in ClinVar:

NM_025137.4(SPG11):c.6971_6972dup (p.Ile2325fs)

Gene: SPG11 (SPG11 vesicle trafficking associated, spatacsin; minus strand). Cytogenetic location: 15q21.1.
Variant type: Duplication.
Coding change: c.6971_6972dup on transcript NM_025137.4 (MANE Select); coding-DNA positions 6971 to 6972, 2 bases duplicated (GT; older notation c.6971_6972dupGT).
Protein change: p.Ile2325fs; shifts the reading frame from isoleucine 2325.
Molecular consequence: frameshift variant.
Genome position (GRCh38, 1-based): chr15:44,565,881-44,565,882, AC duplicated on the plus strand (GT on the coding strand, the reverse complement: SPG11 is on the minus strand); duplicating any 2 consecutive bases within chr15:44,565,881-44,565,883 gives the same sequence; the c. name uses the placement nearest the transcript's 3' end. VCF-style (leftmost placement, unchanged base first): chr15-44565880-T-TAC. GRCh37 (hg19) VCF-style: chr15-44858078-T-TAC.
Other names: c.6632_6633dup, p.Ile2212fs (NM_001160227.2); c.6827_6828dup, p.Ile2277fs (NM_001411132.1); short protein forms I2277fs, I2325fs, I2212fs.
Identifiers: ClinVar variation 2753714 (VCV002753714.4), dbSNP rs780301639, ClinGen allele CA969297241.

ClinVar aggregate classification (germline): Pathogenic/Likely pathogenic. Review status: criteria provided, multiple submitters, no conflicts (2 of 4 stars). 2 submissions from 2 submitters: Pathogenic (1); Likely pathogenic (1). Last evaluated 2024-05-10.

Conditions:
Hereditary spastic paraplegia 11. Also called: SPASTIC PARAPLEGIA, AUTOSOMAL RECESSIVE, COMPLICATED, WITH THIN CORPUS CALLOSUM; SPASTIC PARAPLEGIA, AUTOSOMAL RECESSIVE, WITH MENTAL IMPAIRMENT AND THIN CORPUS CALLOSUM; Nakamura Osame syndrome; Autosomal recessive hereditary spastic paraplegia, mental impairment, and thin corpus callosum; Spastic Paraplegia 11; Spastic paraplegia, mental retardation and thin corpus callosum. Identifiers: Orphanet 2822, MedGen C1858479, MONDO:0011445, OMIM 604360.
Charcot-Marie-Tooth disease axonal type 2X. Also called: CHARCOT-MARIE-TOOTH DISEASE, AXONAL, AUTOSOMAL RECESSIVE, TYPE 2X; CHARCOT-MARIE-TOOTH NEUROPATHY, TYPE 2X. Identifiers: Orphanet 466775, MedGen C5569024, MONDO:0014726, OMIM 616668.
Amyotrophic lateral sclerosis type 5 (ALS5). Also called: AMYOTROPHIC LATERAL SCLEROSIS 5, JUVENILE. Identifiers: Orphanet 300605, MedGen C1865864, MONDO:0011196, OMIM 602099.

Submissions (2):

Fulgent Genetics
Classification: Likely pathogenic for Amyotrophic lateral sclerosis type 5; Hereditary spastic paraplegia 11; Charcot-Marie-Tooth disease axonal type 2X. Last evaluated: 2024-05-10. Review status: criteria provided, single submitter. Criteria: ACMG Guidelines, 2015. Collection method: clinical testing. Allele origin: germline.

Labcorp Genetics (formerly Invitae), Labcorp
Classification: Pathogenic for Hereditary spastic paraplegia 11. Last evaluated: 2023-08-18. Review status: criteria provided, single submitter. Criteria: Invitae Variant Classification Sherloc (09022015). Collection method: clinical testing. Allele origin: germline.
Comment: This sequence change creates a premature translational stop signal (p.Ile2325Valfs*32) in the SPG11 gene. It is expected to result in an absent or disrupted protein product. Loss-of-function variants in SPG11 are known to be pathogenic (PMID: 19105190, 20110243, 22154821, 26556829). This variant is not present in population databases (gnomAD no frequency). This variant has not been reported in the literature in individuals affected with SPG11-related conditions. For these reasons, this variant has been classified as Pathogenic.

Literature cited by the submitters: PubMed 19105190 (cited by Labcorp Genetics (formerly Invitae), Labcorp); PubMed 20110243 (cited by Labcorp Genetics (formerly Invitae), Labcorp); PubMed 22154821 (cited by Labcorp Genetics (formerly Invitae), Labcorp); PubMed 26556829 (cited by Labcorp Genetics (formerly Invitae), Labcorp).